The following is an entry in ClinVar:

NM_020461.4(TUBGCP6):c.3461C>T (p.Thr1154Ile)

Gene: TUBGCP6 (tubulin gamma complex component 6; minus strand). Cytogenetic location: 22q13.33.
Variant type: single nucleotide variant.
Coding change: c.3461C>T on transcript NM_020461.4 (MANE Select); coding-DNA position 3461, C replaced by T.
Protein change: p.Thr1154Ile; replaces threonine 1154 with isoleucine.
Molecular consequence: missense variant.
Genome position (GRCh38, 1-based): chr22:50,220,898, G>A on the plus strand (C>T on the coding strand, the complement: TUBGCP6 is on the minus strand). VCF-style: chr22-50220898-G-A. GRCh37 (hg19) VCF-style: chr22-50659327-G-A.
Other names: short protein forms T1154I.
Identifiers: ClinVar variation 4700796 (VCV004700796.1).

ClinVar aggregate classification (germline): Uncertain significance (1 of 4 stars; one submission).

Submission:

Labcorp Genetics (formerly Invitae), Labcorp
Classification: Uncertain significance. Last evaluated: 2025-04-18. Review status: criteria provided, single submitter. Criteria: Invitae Variant Classification Sherloc (09022015). Collection method: clinical testing. Allele origin: germline.
Comment: This sequence change replaces threonine, which is neutral and polar, with isoleucine, which is neutral and non-polar, at codon 1154 of the TUBGCP6 protein (p.Thr1154Ile). This variant is present in population databases (no rsID available, gnomAD 0.0009%). This variant has not been reported in the literature in individuals affected with TUBGCP6-related conditions. Experimental studies and prediction algorithms are not available or were not evaluated, and the functional significance of this variant is currently unknown. In summary, the available evidence is currently insufficient to determine the role of this variant in disease. Therefore, it has been classified as a Variant of Uncertain Significance.